The following is an entry in ClinVar:

NM_007118.4(TRIO):c.3570G>T (p.Lys1190Asn)

Gene: TRIO (trio Rho guanine nucleotide exchange factor; plus strand). Cytogenetic location: 5p15.2.
Variant type: single nucleotide variant.
Coding change: c.3570G>T on transcript NM_007118.4 (MANE Select); coding-DNA position 3570, G replaced by T.
Protein change: p.Lys1190Asn; replaces lysine 1190 with asparagine.
Molecular consequence: missense variant. On other transcripts: non-coding transcript variant (1).
Genome position (GRCh38, 1-based): chr5:14,381,252, G>T. VCF-style: chr5-14381252-G-T. GRCh37 (hg19) VCF-style: chr5-14381361-G-T.
Other names: short protein forms K1190N.
Identifiers: ClinVar variation 3368512 (VCV003368512.1).

ClinVar aggregate classification (germline): Uncertain significance (1 of 4 stars; one submission).

gnomAD v4.1: 1 of 1,609,082 alleles (0.000062%); highest among the groups gnomAD compares: Non-Finnish European, 0.000085%; no homozygotes.

Submission:

GeneDx
Classification: Uncertain significance. Last evaluated: 2024-01-29. Review status: criteria provided, single submitter. Criteria: GeneDx Variant Classification Process June 2021. Collection method: clinical testing. Allele origin: germline. Affected: yes.
Comment: Not observed at significant frequency in large population cohorts (gnomAD); In silico analysis supports that this missense variant has a deleterious effect on protein structure/function; In silico analysis supports a deleterious effect on splicing; Has not been previously published as pathogenic or benign to our knowledge